The following is an entry in ClinVar:

NM_144687.4(NLRP12):c.1223G>A (p.Trp408Ter)

Gene: NLRP12 (NLR family pyrin domain containing 12; minus strand). Cytogenetic location: 19q13.42.
Variant type: single nucleotide variant.
Coding change: c.1223G>A on transcript NM_144687.4 (MANE Select); coding-DNA position 1223, G replaced by A.
Protein change: p.Trp408Ter; replaces tryptophan 408 with a stop codon.
Molecular consequence: nonsense.
Genome position (GRCh38, 1-based): chr19:53,810,436, C>T on the plus strand (G>A on the coding strand, the complement: NLRP12 is on the minus strand). VCF-style: chr19-53810436-C-T. GRCh37 (hg19) VCF-style: chr19-54313690-C-T.
Other names: c.1223G>A, p.Trp408Ter (NM_001277126.2, NM_001277129.1); short protein forms W408*.
Identifiers: ClinVar variation 523656 (VCV000523656.4), dbSNP rs774895361, ClinGen allele CA407413972.

ClinVar aggregate classification (germline): Uncertain significance. Review status: criteria provided, single submitter (1 of 4 stars). 2 submissions from 2 submitters: Uncertain significance (1). 1 of the submissions does not count toward it. Last evaluated 2025-08-26.

Conditions:
Familial cold autoinflammatory syndrome 2 (FCAS2). Identifiers: Orphanet 247868, MedGen C2673198, MONDO:0012724, OMIM 611762.

Allele frequency attached by ClinVar (database versions not stated): gnomAD exomes below 0.00001.

Submissions (2):

Labcorp Genetics (formerly Invitae), Labcorp
Classification: Uncertain significance for Familial cold autoinflammatory syndrome 2. Last evaluated: 2025-08-26. Review status: criteria provided, single submitter. Criteria: Invitae Variant Classification Sherloc (09022015). Collection method: clinical testing. Allele origin: germline.
Comment: This sequence change creates a premature translational stop signal (p.Trp408*) in the NLRP12 gene. It is expected to result in an absent or disrupted protein product. However, the current clinical and genetic evidence is not sufficient to establish whether loss-of-function variants in NLRP12 cause disease. This variant is not present in population databases (gnomAD no frequency). This premature translational stop signal has been observed in individual(s) with familial cold autoinflammatory syndrome (PMID: 27314497). It has also been observed to segregate with disease in related individuals. ClinVar contains an entry for this variant (Variation ID: 523656). In summary, the available evidence is currently insufficient to determine the role of this variant in disease. Therefore, it has been classified as a Variant of Uncertain Significance.

OMIM
Classification: Pathogenic for FAMILIAL COLD AUTOINFLAMMATORY SYNDROME 2. Last evaluated: 2018-05-15. Review status: no assertion criteria provided. Collection method: literature only. Allele origin: germline. Not counted in ClinVar's aggregate classification.

Literature cited by the submitters: PubMed 27314497 (cited by Labcorp Genetics (formerly Invitae), Labcorp and OMIM).